The following is an entry in ClinVar:

NM_001013838.3(CARMIL2):c.907C>T (p.Pro303Ser)

Gene: CARMIL2 (capping protein regulator and myosin 1 linker 2; plus strand). Cytogenetic location: 16q22.1.
Variant type: single nucleotide variant.
Coding change: c.907C>T on transcript NM_001013838.3 (MANE Select); coding-DNA position 907, C replaced by T.
Protein change: p.Pro303Ser; replaces proline 303 with serine.
Molecular consequence: missense variant.
Genome position (GRCh38, 1-based): chr16:67,647,715, C>T. VCF-style: chr16-67647715-C-T. GRCh37 (hg19) VCF-style: chr16-67681618-C-T.
Other names: c.907C>T, p.Pro303Ser (NM_001317026.3); short protein forms P303S.
Identifiers: ClinVar variation 1347271 (VCV001347271.5), dbSNP rs767541237, ClinGen allele CA8113272.

ClinVar aggregate classification (germline): Uncertain significance (1 of 4 stars; one submission).

Allele frequency attached by ClinVar (database versions not stated): gnomAD 0.00003 and 0.00004; gnomAD exomes 0.00006 and 0.00015; TOPMed 0.00009; ExAC 0.00017.
gnomAD v4.1: 40 of 1,597,952 alleles (0.0025%); highest among the groups gnomAD compares: Admixed American, 0.066%; no homozygotes.

Submission:

Labcorp Genetics (formerly Invitae), Labcorp
Classification: Uncertain significance. Last evaluated: 2022-08-15. Review status: criteria provided, single submitter. Criteria: Invitae Variant Classification Sherloc (09022015). Collection method: clinical testing. Allele origin: germline.
Comment: This sequence change replaces proline, which is neutral and non-polar, with serine, which is neutral and polar, at codon 303 of the CARMIL2 protein (p.Pro303Ser). This variant is present in population databases (rs767541237, gnomAD 0.1%). This variant has not been reported in the literature in individuals affected with CARMIL2-related conditions. ClinVar contains an entry for this variant (Variation ID: 1347271). Algorithms developed to predict the effect of missense changes on protein structure and function output the following: SIFT: "Tolerated"; PolyPhen-2: "Benign"; Align-GVGD: "Class C0". The serine amino acid residue is found in multiple mammalian species, which suggests that this missense change does not adversely affect protein function. In summary, the available evidence is currently insufficient to determine the role of this variant in disease. Therefore, it has been classified as a Variant of Uncertain Significance.